The following is an entry in ClinVar:

ClinVar aggregate classification (germline): Uncertain significance (1 of 4 stars; one submission).

Conditions:
Developmental and epileptic encephalopathy, 25 (DEE25). Also called: Developmental and epileptic encephalopathy 25, with amelogenesis imperfecta; Epileptic encephalopathy, early infantile, 25, with amelogenesis imperfecta; Epileptic encephalopathy, early infantile, 25. Identifiers: Orphanet 442835, MedGen C4014621, MONDO:0014392, OMIM 615905.

Submission:

Labcorp Genetics (formerly Invitae), Labcorp
Classification: Uncertain significance for Developmental and epileptic encephalopathy, 25. Last evaluated: 2024-02-24. Review status: criteria provided, single submitter. Criteria: Invitae Variant Classification Sherloc (09022015). Collection method: clinical testing. Allele origin: germline.
Comment: This sequence change replaces serine, which is neutral and polar, with proline, which is neutral and non-polar, at codon 480 of the SLC13A5 protein (p.Ser480Pro). This variant is not present in population databases (gnomAD no frequency). This variant has not been reported in the literature in individuals affected with SLC13A5-related conditions. ClinVar contains an entry for this variant (Variation ID: 1372187). An algorithm developed to predict the effect of missense changes on protein structure and function (PolyPhen-2) suggests that this variant is likely to be disruptive. In summary, the available evidence is currently insufficient to determine the role of this variant in disease. Therefore, it has been classified as a Variant of Uncertain Significance.

NM_177550.5(SLC13A5):c.1438T>C (p.Ser480Pro)

Gene: SLC13A5 (solute carrier family 13 member 5; minus strand). Cytogenetic location: 17p13.1.
Variant type: single nucleotide variant.
Coding change: c.1438T>C on transcript NM_177550.5 (MANE Select); coding-DNA position 1438, T replaced by C.
Protein change: p.Ser480Pro; replaces serine 480 with proline.
Molecular consequence: missense variant. On other transcripts: intron variant (1).
Genome position (GRCh38, 1-based): chr17:6,687,666, A>G on the plus strand (T>C on the coding strand, the complement: SLC13A5 is on the minus strand). VCF-style: chr17-6687666-A-G. GRCh37 (hg19) VCF-style: chr17-6590985-A-G.
Other names: c.1387T>C, p.Ser463Pro (NM_001284509.2); c.1309T>C, p.Ser437Pro (NM_001284510.2); c.1438-1328T>C (NM_001143838.3); short protein forms S463P, S480P, S437P.
Identifiers: ClinVar variation 1372187 (VCV001372187.6), dbSNP rs2150961873, ClinGen allele CA397738511.
Genomic context (GRCh38, chr17:6,687,666, plus strand): 5'-AGGAGGCACTCAGGGTACAGGGCAGCATGATGTACAGCGGATTGAGGCCGATGGAGCGAG[A>G]CTGCGGAAAAACAGCACTGCAACATCACCGTACAGAACACAGAAGCTCTTGGGGACGTGA-3'
Protein context (NP_808218.1, residues 470-490): TLFLPIFASM[Ser480Pro]RSIGLNPLYI